The following is an entry in ClinVar:

ClinVar aggregate classification (germline): Uncertain significance (1 of 4 stars; one submission).

Conditions:
Nemaline myopathy 2 (NEM2). Also called: Nemaline myopathy 2, autosomal recessive. Identifiers: MedGen C1850569, MONDO:0009725, OMIM 256030.

gnomAD v4.1: 3 of 1,611,646 alleles (0.00019%); highest among the groups gnomAD compares: African/African-American, 0.004%; no homozygotes.

Submission:

Labcorp Genetics (formerly Invitae), Labcorp
Classification: Uncertain significance for Nemaline myopathy 2. Last evaluated: 2022-03-09. Review status: criteria provided, single submitter. Criteria: Invitae Variant Classification Sherloc (09022015). Collection method: clinical testing. Allele origin: germline.
Comment: This sequence change replaces asparagine, which is neutral and polar, with lysine, which is basic and polar, at codon 7217 of the NEB protein (p.Asn7217Lys). This variant is present in population databases (no rsID available, gnomAD 0.01%). This variant has not been reported in the literature in individuals affected with NEB-related conditions. ClinVar contains an entry for this variant (Variation ID: 1045917). Algorithms developed to predict the effect of missense changes on protein structure and function are either unavailable or do not agree on the potential impact of this missense change (SIFT: "Deleterious"; PolyPhen-2: "Not Available"; Align-GVGD: "Class C0"). In summary, the available evidence is currently insufficient to determine the role of this variant in disease. Therefore, it has been classified as a Variant of Uncertain Significance.

NM_001164508.2(NEB):c.21546C>A (p.Asn7182Lys)

Genes: NEB (nebulin; minus strand), RIF1 (replication timing regulatory factor 1; plus strand). Cytogenetic location: 2q23.3.
Variant type: single nucleotide variant.
Coding change: c.21546C>A on transcript NM_001164508.2 (MANE Select); coding-DNA position 21546, C replaced by A.
Protein change: p.Asn7182Lys; replaces asparagine 7182 with lysine.
Molecular consequence: missense variant.
Genome position (GRCh38, 1-based): chr2:151,531,078, G>T on the plus strand (C>A on the coding strand, the complement: NEB is on the minus strand). VCF-style: chr2-151531078-G-T. GRCh37 (hg19) VCF-style: chr2-152387592-G-T.
Other names: c.21546C>A, p.Asn7182Lys (NM_001164507.2); c.21651C>A, p.Asn7217Lys (NM_001271208.2); c.16443C>A, p.Asn5481Lys (NM_004543.5); short protein forms N7182K, N5481K, N7217K.
Identifiers: ClinVar variation 1045917 (VCV001045917.6), dbSNP rs149510427, ClinGen allele CA348770349.
Genomic context (GRCh38, chr2:151,531,078, plus strand): 5'-GCGGACATGCAGCAACATGGGTGTGTCGTGGATTGTGGTGTAGCCTCTGGGTTTGGCCTT[G>T]TTGTATTCCAATTTATAAAGGATCTGAAAGATCAAAAAGCAGAAAGACATCATGTCATGC-3'
Protein context (NP_001157980.2, residues 7172-7192): ISDILYKLEY[Asn7182Lys]KAKPRGYTTI